The following is an entry in ClinVar:

NM_138817.3(SLC7A13):c.452G>A (p.Arg151His)

Gene: SLC7A13 (solute carrier family 7 member 13; minus strand). Cytogenetic location: 8q21.3.
Variant type: single nucleotide variant.
Coding change: c.452G>A on transcript NM_138817.3 (MANE Select); coding-DNA position 452, G replaced by A.
Protein change: p.Arg151His; replaces arginine 151 with histidine.
Molecular consequence: missense variant.
Genome position (GRCh38, 1-based): chr8:86,229,826, C>T on the plus strand (G>A on the coding strand, the complement: SLC7A13 is on the minus strand). VCF-style: chr8-86229826-C-T. GRCh37 (hg19) VCF-style: chr8-87242055-C-T.
Other names: short protein forms R151H.
Identifiers: ClinVar variation 2730463 (VCV002730463.3), dbSNP rs144944362, ClinGen allele CA4797831.

ClinVar aggregate classification (germline): Uncertain significance (1 of 4 stars; one submission).

Allele frequency attached by ClinVar (database versions not stated): ESP Exome Variant Server 0.00031; 1000 Genomes Project 0.00100; 1000 Genomes Project 30x 0.00125.
gnomAD v4.1: 117 of 1,614,156 alleles (0.0072%); highest among the groups gnomAD compares: African/African-American, 0.084%; no homozygotes.

Submission:

Labcorp Genetics (formerly Invitae), Labcorp
Classification: Uncertain significance. Last evaluated: 2023-06-25. Review status: criteria provided, single submitter. Criteria: Invitae Variant Classification Sherloc (09022015). Collection method: clinical testing. Allele origin: germline.
Comment: This sequence change replaces arginine, which is basic and polar, with histidine, which is basic and polar, at codon 151 of the SLC7A13 protein (p.Arg151His). This variant is present in population databases (rs144944362, gnomAD 0.1%), and has an allele count higher than expected for a pathogenic variant. This variant has not been reported in the literature in individuals affected with SLC7A13-related conditions. An algorithm developed to predict the effect of missense changes on protein structure and function (PolyPhen-2) suggests that this variant is likely to be disruptive. In summary, the available evidence is currently insufficient to determine the role of this variant in disease. Therefore, it has been classified as a Variant of Uncertain Significance.